The following is an entry in ClinVar:

ClinVar aggregate classification (germline): Uncertain significance (1 of 4 stars; one submission).

Conditions:
Autosomal dominant nocturnal frontal lobe epilepsy 5. Also called: CILIARY DYSKINESIA, PRIMARY, 28, WITH SITUS INVERSUS; CILIARY DYSKINESIA, PRIMARY, 28, WITHOUT SITUS INVERSUS; KCNT1-Related Epilepsy; Epilepsy, nocturnal frontal lobe, 5. Identifiers: Orphanet 98784, MedGen C3554306, MONDO:0014002, OMIM 615005.
Developmental and epileptic encephalopathy, 14 (DEE14). Also called: Early infantile epileptic encephalopathy 14. Identifiers: Orphanet 293181, MedGen C3554195, MONDO:0013989, OMIM 614959.

Submission:

Labcorp Genetics (formerly Invitae), Labcorp
Classification: Uncertain significance for Autosomal dominant nocturnal frontal lobe epilepsy 5; Developmental and epileptic encephalopathy, 14. Last evaluated: 2024-07-15. Review status: criteria provided, single submitter. Criteria: Invitae Variant Classification Sherloc (09022015). Collection method: clinical testing. Allele origin: germline.
Comment: This sequence change replaces valine, which is neutral and non-polar, with methionine, which is neutral and non-polar, at codon 883 of the KCNT1 protein (p.Val883Met). This variant is not present in population databases (gnomAD no frequency). This variant has not been reported in the literature in individuals affected with KCNT1-related conditions. ClinVar contains an entry for this variant (Variation ID: 2016274). Advanced modeling of protein sequence and biophysical properties (such as structural, functional, and spatial information, amino acid conservation, physicochemical variation, residue mobility, and thermodynamic stability) has been performed at Invitae for this missense variant, however the output from this modeling did not meet the statistical confidence thresholds required to predict the impact of this variant on KCNT1 protein function. In summary, the available evidence is currently insufficient to determine the role of this variant in disease. Therefore, it has been classified as a Variant of Uncertain Significance.

NM_020822.3(KCNT1):c.2647G>A (p.Val883Met)

Gene: KCNT1 (potassium sodium-activated channel subfamily T member 1; plus strand). Cytogenetic location: 9q34.3.
Variant type: single nucleotide variant.
Coding change: c.2647G>A on transcript NM_020822.3 (MANE Select); coding-DNA position 2647, G replaced by A.
Protein change: p.Val883Met; replaces valine 883 with methionine.
Molecular consequence: missense variant.
Genome position (GRCh38, 1-based): chr9:135,778,740, G>A. VCF-style: chr9-135778740-G-A. GRCh37 (hg19) VCF-style: chr9-138670586-G-A.
Other names: c.2512G>A, p.Val838Met (NM_001272003.2); short protein forms V838M, V883M.
Identifiers: ClinVar variation 2016274 (VCV002016274.4), dbSNP rs2491037722, ClinGen allele CA375514417.